The following is an entry in ClinVar:

NM_001278716.2(FBXL4):c.1289G>A (p.Arg430Gln)

Gene: FBXL4 (F-box and leucine rich repeat protein 4; minus strand). Cytogenetic location: 6q16.1.
Variant type: single nucleotide variant.
Coding change: c.1289G>A on transcript NM_001278716.2 (MANE Select); coding-DNA position 1289, G replaced by A.
Protein change: p.Arg430Gln; replaces arginine 430 with glutamine.
Molecular consequence: missense variant. On other transcripts: non-coding transcript variant (2).
Genome position (GRCh38, 1-based): chr6:98,899,296, C>T on the plus strand (G>A on the coding strand, the complement: FBXL4 is on the minus strand). VCF-style: chr6-98899296-C-T. GRCh37 (hg19) VCF-style: chr6-99347172-C-T.
Other names: c.1289G>A, p.Arg430Gln (NM_012160.5); short protein forms R430Q.
Identifiers: ClinVar variation 437725 (VCV000437725.3), dbSNP rs377537581, ClinGen allele CA3933491.

ClinVar aggregate classification (germline): Uncertain significance. Review status: criteria provided, multiple submitters, no conflicts (2 of 4 stars). 2 submissions from 2 submitters: Uncertain significance (2). Last evaluated 2022-09-12.

Conditions:
Mitochondrial DNA depletion syndrome 13. Also called: FBXL4-Related Encephalomyopathic Mitochondrial DNA Depletion Syndrome; Mitochondrial DNA depletion syndrome 13 (encephalomyopathic type). Identifiers: Orphanet 369897, MedGen C3809592, MONDO:0014198, OMIM 615471.

Allele frequency attached by ClinVar (database versions not stated): ExAC 0.00001; gnomAD exomes 0.00002; TOPMed 0.00002; gnomAD 0.00003; ESP Exome Variant Server 0.00008.

Submissions (2):

Labcorp Genetics (formerly Invitae), Labcorp
Classification: Uncertain significance. Last evaluated: 2022-09-12. Review status: criteria provided, single submitter. Criteria: Invitae Variant Classification Sherloc (09022015). Collection method: clinical testing. Allele origin: germline.
Comment: This sequence change replaces arginine, which is basic and polar, with glutamine, which is neutral and polar, at codon 430 of the FBXL4 protein (p.Arg430Gln). This variant is present in population databases (rs377537581, gnomAD 0.009%). This variant has not been reported in the literature in individuals affected with FBXL4-related conditions. ClinVar contains an entry for this variant (Variation ID: 437725). Algorithms developed to predict the effect of missense changes on protein structure and function (SIFT, PolyPhen-2, Align-GVGD) all suggest that this variant is likely to be disruptive. In summary, the available evidence is currently insufficient to determine the role of this variant in disease. Therefore, it has been classified as a Variant of Uncertain Significance.

Wong Mito Lab, Molecular and Human Genetics, Baylor College of Medicine
Classification: Uncertain significance for Mitochondrial DNA depletion syndrome 13. Last evaluated: 2017-08-10. Review status: criteria provided, single submitter. Criteria: ACMG Guidelines, 2015. Collection method: reference population. Allele origin: germline.
Comment: The NM_012160.4:c.1289G>A (NP_036292.2:p.Arg430Gln) [GRCH38: NC_000006.12:g.98899296C>T] variant in FBXL4 gene is interpretated to be a Uncertain Significance - Insufficient Evidence based on ACMG guidelines (PMID: 25741868). This variant meets one or more of the following evidence codes reported in the ACMG-guideline. PM2:This variant is absent in key population databases. PP3:Computational evidence/predictors indicate the variant has deleterious effect on FBXL4 structure, function, or protein-protein interaction. Based on this evidence code ClinGen Pathogenicity Calculator (PMID:28081714) suggested that the variant is Uncertain Significance - Insufficient Evidence.